The following is an entry in ClinVar:

NC_012920.1(MT-CO2):m.7761A>G

Gene: MT-CO2 (mitochondrially encoded cytochrome c oxidase II; plus strand).
Variant type: single nucleotide variant.
Genome position: chrM-7761-A-G.
Identifiers: ClinVar variation 692772 (VCV000692772.1), dbSNP rs1603221122, ClinGen allele CA414793609.

ClinVar aggregate classification (germline): Likely benign (1 of 4 stars; one submission).

Conditions:
Leigh syndrome (NULS). Also called: Leigh's necrotizing encephalopathy; Leigh's disease; Leigh Syndrome (mtDNA deletion); Leigh Disease; Subacute necrotizing encephalopathy; Necrotizing encephalopathy infantile subacute of Leigh. Identifiers: Orphanet 506, MedGen C2931891, MONDO:0009723, OMIM 256000.

Submission:

Wong Mito Lab, Molecular and Human Genetics, Baylor College of Medicine
Classification: Likely benign for Leigh syndrome. Last evaluated: 2019-10-17. Review status: criteria provided, single submitter. Criteria: Modified ACMG Guidelines (Unpublished). Collection method: clinical testing. Allele origin: germline.
Comment: The NC_012920.1:m.7761A>G (YP_003024029.1:p.Gln59Arg) variant in MTCO2 gene is interpretated to be a Likely Benign variant based on the modified ACMG guidelines (unpublished). This variant meets the following evidence codes: BS1, BP5